The following is an entry in ClinVar:

NM_000051.4(ATM):c.7773C>T (p.Ser2591=)

Genes: ATM (ATM serine/threonine kinase; plus strand), C11orf65 (chromosome 11 open reading frame 65; minus strand). Cytogenetic location: 11q22.3.
Variant type: single nucleotide variant.
Coding change: c.7773C>T on transcript NM_000051.4 (MANE Select); coding-DNA position 7773, C replaced by T.
Protein change: p.Ser2591=; no amino-acid change (serine 2591 retained).
Molecular consequence: synonymous variant. On other transcripts: intron variant (2).
Genome position (GRCh38, 1-based): chr11:108,332,022, C>T. VCF-style: chr11-108332022-C-T. GRCh37 (hg19) VCF-style: chr11-108202749-C-T.
Other names: c.7773C>T, p.Ser2591= (NM_001351834.2); c.641-22951G>A (NM_001330368.2); c.*38+3198G>A (NM_001351110.2).
Identifiers: ClinVar variation 757219 (VCV000757219.16), dbSNP rs1045232065, ClinGen allele CA228418775.
Genomic context (GRCh38, chr11:108,332,022, plus strand): 5'-TCTGACTAAACCAGAGGTAGCCAGAAGAAGCAGAATAACTAAAAATGTGCCTAAACAAAG[C>T]TCTCAGCTTGATGAGGTATTTGGATTAAACATACGTACCTTTTAGAAGTGTGATATTCAG-3'
Protein context (NP_000042.3, residues 2581-2601): SRITKNVPKQ[Ser2591=]SQLDEDRTEA

ClinVar aggregate classification (germline): Benign/Likely benign. Review status: criteria provided, multiple submitters, no conflicts (2 of 4 stars). 4 submissions from 4 submitters: Benign (1); Likely benign (3). Last evaluated 2025-02-04.

Conditions:
Hereditary cancer-predisposing syndrome. Also called: Tumor predisposition; Hereditary neoplastic syndrome; Neoplastic Syndromes, Hereditary; Hereditary Cancer Syndrome. Identifiers: Orphanet 140162, MedGen C0027672, MeSH D009386, MONDO:0015356.
Familial cancer of breast. Also called: Hereditary breast cancer; BREAST CANCER, FAMILIAL; hereditary breast carcinoma. Identifiers: Orphanet 227535, MedGen C0346153, MONDO:0016419, OMIM 114480. Disease mechanism: loss of function.
Ataxia-telangiectasia syndrome (AT). Also called: Ataxia-telangiectasia, complementation group D; AT, COMPLEMENTATION GROUP C; ATAXIA-TELANGIECTASIA, COMPLEMENTATION GROUP A; ATAXIA-TELANGIECTASIA, FRESNO VARIANT; Ataxia-telangiectasia; LOUIS-BAR SYNDROME. Identifiers: Orphanet 100, MedGen C0004135, MONDO:0008840, OMIM 208900.

Submissions (4):

Labcorp Genetics (formerly Invitae), Labcorp
Classification: Likely benign for Ataxia-telangiectasia syndrome. Last evaluated: 2025-02-04. Review status: criteria provided, single submitter. Criteria: Invitae Variant Classification Sherloc (09022015). Collection method: clinical testing. Allele origin: germline.

Myriad Genetics, Inc.
Classification: Benign for Familial cancer of breast. Last evaluated: 2024-06-17. Review status: criteria provided, single submitter. Criteria: Myriad Autosomal Dominant, Autosomal Recessive and X-Linked Classification Criteria (2023). Collection method: clinical testing. Allele origin: unknown.
Comment: This variant is considered benign. This variant is a silent/synonymous amino acid change and it is not expected to impact splicing.

Color Diagnostics, LLC DBA Color Health
Classification: Likely benign for Hereditary cancer-predisposing syndrome. Last evaluated: 2021-08-24. Review status: criteria provided, single submitter. Criteria: ACMG Guidelines, 2015. Collection method: clinical testing. Allele origin: germline.

Ambry Genetics
Classification: Likely benign for Hereditary cancer-predisposing syndrome. Last evaluated: 2018-03-13. Review status: criteria provided, single submitter. Criteria: Ambry Variant Classification Scheme 2023. Collection method: clinical testing. Allele origin: germline.